The following is an entry in ClinVar:

NM_000093.5(COL5A1):c.3421G>C (p.Gly1141Arg)

Gene: COL5A1 (collagen type V alpha 1 chain; plus strand). Cytogenetic location: 9q34.3.
Variant type: single nucleotide variant.
Coding change: c.3421G>C on transcript NM_000093.5 (MANE Select); coding-DNA position 3421, G replaced by C.
Protein change: p.Gly1141Arg; replaces glycine 1141 with arginine.
Molecular consequence: missense variant.
Genome position (GRCh38, 1-based): chr9:134,809,237, G>C. VCF-style: chr9-134809237-G-C. GRCh37 (hg19) VCF-style: chr9-137701083-G-C.
Other names: c.3421G>C, p.Gly1141Arg (NM_001278074.1); short protein forms G1141R.
Identifiers: ClinVar variation 576691 (VCV000576691.10), dbSNP rs1269224473, ClinGen allele CA375452980.

ClinVar aggregate classification (germline): Uncertain significance (1 of 4 stars; one submission).

Conditions:
Ehlers-Danlos syndrome, classic type, 1 (EDSCL1). Also called: Ehlers-Danlos Syndrome, Classic Type, COL5A1-Related; EDS I; Ehlers-Danlos syndrome, type 1; EHLERS-DANLOS SYNDROME, GRAVIS TYPE; EHLERS-DANLOS SYNDROME, SEVERE CLASSIC TYPE. Identifiers: MedGen C0268335, MONDO:0019567, OMIM 130000.

Submission:

Labcorp Genetics (formerly Invitae), Labcorp
Classification: Uncertain significance for Ehlers-Danlos syndrome, classic type, 1. Last evaluated: 2018-06-29. Review status: criteria provided, single submitter. Criteria: Invitae Variant Classification Sherloc (09022015). Collection method: clinical testing. Allele origin: germline.
Comment: This sequence change replaces glycine with arginine at codon 1141 of the COL5A1 protein (p.Gly1141Arg). The glycine residue is highly conserved and there is a moderate physicochemical difference between glycine and arginine. In summary, the available evidence is currently insufficient to determine the role of this variant in disease. Therefore, it has been classified as a Variant of Uncertain Significance. Glycine residues within the Gly-Xaa-Yaa repeats of the triple helix domain are required for the structure and stability of fibrillar collagens (PMID: 7695699, 8218237, 19344236), and missense variants at these glycine residues in COL5A1 are more frequently observed in individuals with disease than in the general population (PMID: 22696272, 23587214). However, the clinical significance of this observation remains uncertain since only a limited number of affected individuals have been described to date. This variant has not been reported in the literature in individuals with COL5A1-related disease. This variant is not present in population databases (ExAC no frequency).

Literature cited by the submitters: PubMed 7695699; PubMed 8218237; PubMed 19344236; PubMed 22696272; PubMed 23587214.